The following is an entry in ClinVar:

ClinVar aggregate classification (germline): Pathogenic/Likely pathogenic. Review status: criteria provided, multiple submitters, no conflicts (2 of 4 stars). 4 submissions from 4 submitters: Pathogenic (1); Likely pathogenic (3). Last evaluated 2026-04-16.

Conditions:
Multiple endocrine neoplasia, type 1 (MEN1). Also called: WERMER SYNDROME; Endocrine adenomatosis multiple; MEN 1; MEN I; MEA I. Identifiers: Orphanet 652, MedGen C0025267, MeSH D018761, MONDO:0007540, OMIM 131100.

Submissions (4):

Myriad Genetics, Inc.
Classification: Likely pathogenic for Multiple endocrine neoplasia, type 1. Last evaluated: 2026-04-16. Review status: criteria provided, single submitter. Criteria: Myriad Autosomal Dominant, Autosomal Recessive and X-Linked Classification Criteria (2023). Collection method: clinical testing. Allele origin: unknown.
Comment: This variant is considered likely pathogenic. This variant has been reported in multiple individuals with clinical features of gene-specific disease [PMID: 29497973, 33632163, 25309785].

GeneDx
Classification: Likely pathogenic. Last evaluated: 2025-06-30. Review status: criteria provided, single submitter. Criteria: GeneDx Variant Classification Process June 2021. Collection method: clinical testing. Allele origin: germline. Affected: yes.
Comment: Not observed at significant frequency in large population cohorts (gnomAD); In silico analysis supports a deleterious effect on splicing; Also known as c.658G>A; p.(V220M); This variant is associated with the following publications: (PMID: 15464422, 10664520, 21464564, 29497973, 25309785, 17879353, 15714081, 33632163, 9989505, 37484956)

Illumina Laboratory Services, Illumina
Classification: Likely pathogenic for Multiple endocrine neoplasia, type 1. Last evaluated: 2023-08-11. Review status: criteria provided, single submitter. Criteria: ICSLVariantClassificationCriteria RUGD 01 April 2020. Collection method: clinical testing. Allele origin: unknown.
Comment: The MEN1 c.643G>A (p.Val215Met) missense variant has been identified in several individuals with multiple endocrine neoplasia type 1 (PMID: 10664520; 15464422; 17879353; 25309785; 33632163). This variant is not observed in version 2.1.1 or version 3.1.2 of the Genome Aggregation Database. The p.Val215Met variant resides close to other clinically significant missense variants (ClinVar) and multiple lines of computational evidence suggest the variant may impact the gene or gene product. Based on the available evidence, the c.643G>A (p.Val215Met) variant is classified as likely pathogenic for multiple endocrine neoplasia type 1.

Labcorp Genetics (formerly Invitae), Labcorp
Classification: Pathogenic for Multiple endocrine neoplasia, type 1. Last evaluated: 2022-06-09. Review status: criteria provided, single submitter. Criteria: Invitae Variant Classification Sherloc (09022015). Collection method: clinical testing. Allele origin: germline.
Comment: For these reasons, this variant has been classified as Pathogenic. Algorithms developed to predict the effect of sequence changes on RNA splicing suggest that this variant may disrupt the consensus splice site. Advanced modeling of protein sequence and biophysical properties (such as structural, functional, and spatial information, amino acid conservation, physicochemical variation, residue mobility, and thermodynamic stability) performed at Invitae indicates that this missense variant is expected to disrupt MEN1 protein function. ClinVar contains an entry for this variant (Variation ID: 200977). This missense change has been observed in individuals with multiple endocrine neoplasia type 1 (PMID: 10664520, 21464564, 25309785, 33632163). This variant is not present in population databases (gnomAD no frequency). This sequence change replaces valine, which is neutral and non-polar, with methionine, which is neutral and non-polar, at codon 215 of the MEN1 protein (p.Val215Met).

Literature cited by the submitters: PubMed 29497973 (cited by Myriad Genetics, Inc.); PubMed 33632163 (cited by 3 submitters); PubMed 25309785 (cited by 3 submitters); PubMed 17879353 (cited by Illumina Laboratory Services, Illumina); PubMed 15464422 (cited by Illumina Laboratory Services, Illumina); PubMed 10664520 (cited by Illumina Laboratory Services, Illumina and Labcorp Genetics (formerly Invitae), Labcorp); PubMed 21464564 (cited by Labcorp Genetics (formerly Invitae), Labcorp).

NM_001370259.2(MEN1):c.643G>A (p.Val215Met)

Gene: MEN1 (menin 1; minus strand). Cytogenetic location: 11q13.1.
Variant type: single nucleotide variant.
Coding change: c.643G>A on transcript NM_001370259.2 (MANE Select); coding-DNA position 643, G replaced by A.
Protein change: p.Val215Met; replaces valine 215 with methionine.
Molecular consequence: missense variant. On other transcripts: intron variant (2).
Genome position (GRCh38, 1-based): chr11:64,807,902, C>T on the plus strand (G>A on the coding strand, the complement: MEN1 is on the minus strand). VCF-style: chr11-64807902-C-T. GRCh37 (hg19) VCF-style: chr11-64575374-C-T.
Other names: c.658G>A, p.Val220Met (NM_000244.4, NM_130800.3, NM_130801.3 and 3 more transcripts); c.643G>A, p.Val215Met (NM_001370251.2, NM_001370260.2, NM_001370261.2 and 1 more transcripts); c.549+94G>A (NM_001370263.2, NM_001370262.2); short protein forms V215M, V220M.
Identifiers: ClinVar variation 200977 (VCV000200977.15), dbSNP rs794728621, ClinGen allele CA009535.
Genomic context (GRCh38, chr11:64,807,902, plus strand): 5'-TGGGCTACTACAGTATGAAGGGGACAAGGCTGGGGGGAGGGAACAATACCCGCTCAGCCA[C>T]ACCGGCATTGACTGTCTGGCCCCTGCGGTCCTCGTTGCCCTTGCCGTGCCAGGTGACCTC-3'
Protein context (NP_001357188.2, residues 205-225): DRRGQTVNAG[Val215Met]AERSWLYLKG